The following is an entry in ClinVar:

NM_004366.6(CLCN2):c.1061C>T (p.Thr354Ile)

Gene: CLCN2 (chloride voltage-gated channel 2; minus strand). Cytogenetic location: 3q27.1.
Variant type: single nucleotide variant.
Coding change: c.1061C>T on transcript NM_004366.6 (MANE Select); coding-DNA position 1061, C replaced by T.
Protein change: p.Thr354Ile; replaces threonine 354 with isoleucine.
Molecular consequence: missense variant.
Genome position (GRCh38, 1-based): chr3:184,357,017, G>A on the plus strand (C>T on the coding strand, the complement: CLCN2 is on the minus strand). VCF-style: chr3-184357017-G-A. GRCh37 (hg19) VCF-style: chr3-184074805-G-A.
Other names: c.1061C>T, p.Thr354Ile (NM_001171087.3, NM_001171089.3); c.929C>T, p.Thr310Ile (NM_001171088.3); short protein forms T310I, T354I.
Identifiers: ClinVar variation 3573637 (VCV003573637.1).

ClinVar aggregate classification (germline): Uncertain significance (1 of 4 stars; one submission).

gnomAD v4.1: 1 of 1,613,544 alleles (0.000062%); highest among the groups gnomAD compares: African/African-American, 0.0013%; no homozygotes.

Submission:

GeneDx
Classification: Uncertain significance. Last evaluated: 2024-07-11. Review status: criteria provided, single submitter. Criteria: GeneDx Variant Classification Process June 2021. Collection method: clinical testing. Allele origin: germline. Affected: yes.
Comment: Not observed at significant frequency in large population cohorts (gnomAD); In silico analysis supports that this missense variant has a deleterious effect on protein structure/function; Has not been previously published as pathogenic or benign to our knowledge